The following is an entry in ClinVar:

NM_025132.4(WDR19):c.3184-2A>G

Gene: WDR19 (WD repeat domain 19; plus strand). Cytogenetic location: 4p14.
Variant type: single nucleotide variant.
Coding change: c.3184-2A>G on transcript NM_025132.4 (MANE Select); the canonical splice acceptor site of the intron before coding-DNA position 3184, A replaced by G.
Molecular consequence: splice acceptor variant.
Genome position (GRCh38, 1-based): chr4:39,266,061, A>G. VCF-style: chr4-39266061-A-G. GRCh37 (hg19) VCF-style: chr4-39267681-A-G.
Other names: c.2704-2A>G (NM_001317924.2).
Identifiers: ClinVar variation 1347795 (VCV001347795.6), dbSNP rs1020915921, ClinGen allele CA356644647.
Genomic context (GRCh38, chr4:39,266,061, plus strand): 5'-TTCTCCACTCTTGCTCGGTTTAAGATGCTGAATTTGCTGGGTTTTTCTCTCTTATTAAAC[A>G]GGTTGGTCAGGCCAAAGATGAACTGCTGACCAATCAGCTGATAGACCATCTCCTGGGGGA-3'

ClinVar aggregate classification (germline): Pathogenic (1 of 4 stars; one submission).

Conditions:
Senior-Loken syndrome 8 (SLSN8). Identifiers: Orphanet 3156, MedGen C4225376, MONDO:0014579, OMIM 616307.
Asphyxiating thoracic dystrophy 5 (SRTD5). Also called: SHORT-RIB THORACIC DYSPLASIA 5 WITH OR WITHOUT POLYDACTYLY; SHORT-RIB THORACIC DYSPLASIA 5 WITHOUT POLYDACTYLY. Identifiers: Orphanet 474, MedGen C3280598, MONDO:0013717, OMIM 614376.

Submission:

Labcorp Genetics (formerly Invitae), Labcorp
Classification: Pathogenic for Senior-Loken syndrome 8; Asphyxiating thoracic dystrophy 5. Last evaluated: 2025-01-27. Review status: criteria provided, single submitter. Criteria: Invitae Variant Classification Sherloc (09022015). Collection method: clinical testing. Allele origin: germline.
Comment: This sequence change affects an acceptor splice site in intron 28 of the WDR19 gene. It is expected to disrupt RNA splicing. Variants that disrupt the donor or acceptor splice site typically lead to a loss of protein function (PMID: 16199547), and loss-of-function variants in WDR19 are known to be pathogenic (PMID: 22019273, 23559409, 23683095, 26275793, 27241786, 29068549). This variant is not present in population databases (gnomAD no frequency). Disruption of this splice site has been observed in individuals with Jeune asphyxiating thoracic dystrophy and/or Senior-Loken syndrome (PMID: 34529350, 36909829). ClinVar contains an entry for this variant (Variation ID: 1347795). Algorithms developed to predict the effect of sequence changes on RNA splicing suggest that this variant may disrupt the consensus splice site. For these reasons, this variant has been classified as Pathogenic.

Literature cited by the submitters: PubMed 16199547; PubMed 22019273; PubMed 23559409; PubMed 23683095; PubMed 26275793; PubMed 27241786; PubMed 29068549; PubMed 34529350; PubMed 36909829.